The following is an entry in ClinVar:

ClinVar aggregate classification (germline): Pathogenic. Review status: criteria provided, multiple submitters, no conflicts (2 of 4 stars). 4 submissions from 4 submitters: Pathogenic (3). 1 of the submissions does not count toward it. Last evaluated 2025-07-16.

Conditions:
CDHR1-related disorders.
Retinitis pigmentosa 65 (RP65). Identifiers: MedGen C3552852, MONDO:0800352.
Cone-rod dystrophy 15 (CORD15). Identifiers: MedGen C3150912, MONDO:0013348, OMIM 613660.

Submissions (4):

First Genomix Gene Laboratory, Genetic Diagnostics Department
Classification: Pathogenic for Cone-rod dystrophy 15. Last evaluated: 2025-07-16. Review status: criteria provided, single submitter. Criteria: ACMG Guidelines, 2015. Collection method: clinical testing. Allele origin: germline. Inheritance: Autosomal recessive inheritance. Affected: no. Observed: 1 variant allele.

Labcorp Genetics (formerly Invitae), Labcorp
Classification: Pathogenic. Last evaluated: 2024-12-16. Review status: criteria provided, single submitter. Criteria: Invitae Variant Classification Sherloc (09022015). Collection method: clinical testing. Allele origin: germline.
Comment: This sequence change creates a premature translational stop signal (p.Gly113Alafs*2) in the CDHR1 gene. It is expected to result in an absent or disrupted protein product. Loss-of-function variants in CDHR1 are known to be pathogenic (PMID: 23044944, 23591405, 26103963, 26261414). This variant is present in population databases (rs747425652, gnomAD 0.0009%). This premature translational stop signal has been observed in individual(s) with retinal dystrophy (PMID: 20087419). It has also been observed to segregate with disease in related individuals. ClinVar contains an entry for this variant (Variation ID: 37292). For these reasons, this variant has been classified as Pathogenic.

Blueprint Genetics
Classification: Pathogenic for CDHR1-related disorders. Last evaluated: 2024-07-31. Review status: criteria provided, single submitter. Criteria: ACMG Guidelines, 2015. Collection method: clinical testing. Allele origin: germline. Affected: yes. Observed: 4 variant alleles.

OMIM
Classification: Pathogenic for RETINITIS PIGMENTOSA 65. Last evaluated: 2010-01-15. Review status: no assertion criteria provided. Collection method: literature only. Allele origin: germline. Not counted in ClinVar's aggregate classification.

Literature cited by the submitters: PubMed 23044944 (cited by Labcorp Genetics (formerly Invitae), Labcorp); PubMed 23591405 (cited by Labcorp Genetics (formerly Invitae), Labcorp); PubMed 26103963 (cited by Labcorp Genetics (formerly Invitae), Labcorp); PubMed 26261414 (cited by Labcorp Genetics (formerly Invitae), Labcorp); PubMed 20087419 (cited by Labcorp Genetics (formerly Invitae), Labcorp and OMIM).

NM_033100.4(CDHR1):c.338del (p.Gly113fs)

Gene: CDHR1 (cadherin related family member 1; plus strand). Cytogenetic location: 10q23.1.
Variant type: Deletion.
Coding change: c.338del on transcript NM_033100.4 (MANE Select); coding-DNA position 338, one base deleted (G; older notation c.338delG).
Protein change: p.Gly113fs; shifts the reading frame from glycine 113.
Molecular consequence: frameshift variant.
Genome position (GRCh38, 1-based): chr10:84,197,826, G deleted; the last of 2 consecutive G bases (chr10:84,197,825-84,197,826); deleting either gives the same sequence. VCF-style (leftmost placement, unchanged base first): chr10-84197824-TG-T. GRCh37 (hg19) VCF-style: chr10-85957580-TG-T.
Other names: c.338del, p.Gly113fs (NM_001171971.3); c.338delG (NM_033100.4); short protein forms G113fs.
Identifiers: ClinVar variation 37292 (VCV000037292.14), dbSNP rs747425652, ClinGen allele CA5579509.